The following is an entry in ClinVar:

ClinVar aggregate classification (germline): Pathogenic (1 of 4 stars; one submission).

Conditions:
Telangiectasia, hereditary hemorrhagic, type 2 (HHT2). Also called: ACVRL1-Related Hereditary Hemorrhagic Telangiectasia; Telangiectasia, hereditary hemorrhagic, type II. Identifiers: Orphanet 774, MedGen C1838163, MONDO:0010880, OMIM 600376. Disease mechanism: loss of function.

Submission:

Labcorp Genetics (formerly Invitae), Labcorp
Classification: Pathogenic for Telangiectasia, hereditary hemorrhagic, type 2. Last evaluated: 2021-08-04. Review status: criteria provided, single submitter. Criteria: Invitae Variant Classification Sherloc (09022015). Collection method: clinical testing. Allele origin: germline.
Comment: A gross deletion of the genomic region encompassing the full coding sequence of the ACVRL1 gene has been identified. Loss-of-function variants in ACVRL1 are known to be pathogenic (PMID: 15879500). The boundaries of this event are unknown as they extend beyond the assayed region for this gene and therefore may encompass additional genes. A similar copy number variant has been observed in individuals with hereditary hemorrhagic telangiectasia (PMID: 18312453; Invitae). It has also been observed to segregate with disease in related individuals. For these reasons, this variant has been classified as Pathogenic.

Literature cited by the submitters: PubMed 15879500; PubMed 18312453.

NC_000012.12:g.(?_51912465)_(51920903_?)del

Gene: ACVRL1 (activin A receptor like type 1; plus strand). Cytogenetic location: 12q13.13.
Variant type: Deletion.
Identifiers: ClinVar variation 657392 (VCV000657392.6).